The following is an entry in ClinVar:

NM_001303256.3(MORC2):c.1381A>G (p.Ile461Val)

Gene: MORC2 (MORC family CW-type zinc finger 2; minus strand). Cytogenetic location: 22q12.2.
Variant type: single nucleotide variant.
Coding change: c.1381A>G on transcript NM_001303256.3 (MANE Select); coding-DNA position 1381, A replaced by G.
Protein change: p.Ile461Val; replaces isoleucine 461 with valine.
Molecular consequence: missense variant.
Genome position (GRCh38, 1-based): chr22:30,937,700, T>C on the plus strand (A>G on the coding strand, the complement: MORC2 is on the minus strand). VCF-style: chr22-30937700-T-C. GRCh37 (hg19) VCF-style: chr22-31333687-T-C.
Other names: c.1381A>G, p.Ile461Val (NM_001303257.2); c.1195A>G, p.Ile399Val (NM_014941.3); short protein forms I461V, I399V.
Identifiers: ClinVar variation 1480249 (VCV001480249.6), dbSNP rs2147255910, ClinGen allele CA411238506.

ClinVar aggregate classification (germline): Uncertain significance (1 of 4 stars; one submission).

Conditions:
Charcot-Marie-Tooth disease axonal type 2Z. Also called: CHARCOT-MARIE-TOOTH DISEASE, AXONAL, AUTOSOMAL DOMINANT, TYPE 2Z; CHARCOT-MARIE-TOOTH NEUROPATHY, TYPE 2Z. Identifiers: Orphanet 466768, MedGen C5569025, MONDO:0014736, OMIM 616688.

Submission:

Labcorp Genetics (formerly Invitae), Labcorp
Classification: Uncertain significance for Charcot-Marie-Tooth disease axonal type 2Z. Last evaluated: 2021-10-09. Review status: criteria provided, single submitter. Criteria: Invitae Variant Classification Sherloc (09022015). Collection method: clinical testing. Allele origin: germline.
Comment: Algorithms developed to predict the effect of missense changes on protein structure and function are either unavailable or do not agree on the potential impact of this missense change (SIFT: "Not Available"; PolyPhen-2: "Possibly Damaging"; Align-GVGD: "Not Available"). In summary, the available evidence is currently insufficient to determine the role of this variant in disease. Therefore, it has been classified as a Variant of Uncertain Significance. This variant has not been reported in the literature in individuals affected with MORC2-related conditions. This sequence change replaces isoleucine with valine at codon 461 of the MORC2 protein (p.Ile461Val). The isoleucine residue is highly conserved and there is a small physicochemical difference between isoleucine and valine. This variant is not present in population databases (ExAC no frequency).